The following is an entry in ClinVar:

NM_001244008.2(KIF1A):c.170G>T (p.Trp57Leu)

Gene: KIF1A (kinesin family member 1A; minus strand). Cytogenetic location: 2q37.3.
Variant type: single nucleotide variant.
Coding change: c.170G>T on transcript NM_001244008.2 (MANE Select); coding-DNA position 170, G replaced by T.
Protein change: p.Trp57Leu; replaces tryptophan 57 with leucine.
Molecular consequence: missense variant.
Genome position (GRCh38, 1-based): chr2:240,789,249, C>A on the plus strand (G>T on the coding strand, the complement: KIF1A is on the minus strand). VCF-style: chr2-240789249-C-A. GRCh37 (hg19) VCF-style: chr2-241728666-C-A.
Other names: c.170G>T, p.Trp57Leu (NM_001320705.2, NM_001330289.2, NM_001330290.2 and 20 more transcripts); short protein forms W57L.
Identifiers: ClinVar variation 3753721 (VCV003753721.2).

ClinVar aggregate classification (germline): Uncertain significance (1 of 4 stars; one submission).

Conditions:
Neuropathy, hereditary sensory, type 2C. Also called: KIF1A-Related HSAN2 (HSAN2C); Hereditary sensory and autonomic neuropathy type IIC. Identifiers: Orphanet 970, MedGen C3280168, MONDO:0013634, OMIM 614213.
Hereditary spastic paraplegia 30. Identifiers: Orphanet 101010, MedGen C5235139, MONDO:0012476.
Intellectual disability, autosomal dominant 9 (NESCAVS). Also called: KIF1A-Related Neurodevelopmental Disorder; NESCAV SYNDROME. Identifiers: Orphanet 662367, MedGen C5393830, MONDO:0013656, OMIM 614255.

Submission:

Labcorp Genetics (formerly Invitae), Labcorp
Classification: Uncertain significance for Hereditary spastic paraplegia 30; Neuropathy, hereditary sensory, type 2C; Intellectual disability, autosomal dominant 9. Last evaluated: 2024-03-26. Review status: criteria provided, single submitter. Criteria: Invitae Variant Classification Sherloc (09022015). Collection method: clinical testing. Allele origin: germline.
Comment: This sequence change replaces tryptophan, which is neutral and slightly polar, with leucine, which is neutral and non-polar, at codon 57 of the KIF1A protein (p.Trp57Leu). This variant is not present in population databases (gnomAD no frequency). This variant has not been reported in the literature in individuals affected with KIF1A-related conditions. Advanced modeling of protein sequence and biophysical properties (such as structural, functional, and spatial information, amino acid conservation, physicochemical variation, residue mobility, and thermodynamic stability) performed at Invitae indicates that this missense variant is expected to disrupt KIF1A protein function with a positive predictive value of 95%. In summary, the available evidence is currently insufficient to determine the role of this variant in disease. Therefore, it has been classified as a Variant of Uncertain Significance.